The following is an entry in ClinVar:

NM_005529.7(HSPG2):c.2996G>A (p.Gly999Glu)

Gene: HSPG2 (heparan sulfate proteoglycan 2; minus strand). Cytogenetic location: 1p36.12.
Variant type: single nucleotide variant.
Coding change: c.2996G>A on transcript NM_005529.7 (MANE Select); coding-DNA position 2996, G replaced by A.
Protein change: p.Gly999Glu; replaces glycine 999 with glutamic acid.
Molecular consequence: missense variant.
Genome position (GRCh38, 1-based): chr1:21,876,236, C>T on the plus strand (G>A on the coding strand, the complement: HSPG2 is on the minus strand). VCF-style: chr1-21876236-C-T. GRCh37 (hg19) VCF-style: chr1-22202729-C-T.
Other names: c.2999G>A, p.Gly1000Glu (NM_001291860.2); short protein forms G1000E, G999E.
Identifiers: ClinVar variation 1411055 (VCV001411055.8), dbSNP rs139374562, ClinGen allele CA672798.

ClinVar aggregate classification (germline): Uncertain significance. Review status: criteria provided, multiple submitters, no conflicts (2 of 4 stars). 2 submissions from 2 submitters: Uncertain significance (2). Last evaluated 2021-06-21.

Allele frequency attached by ClinVar (database versions not stated): gnomAD 0.00001; gnomAD exomes 0.00001 and 0.00002; TOPMed 0.00001; ExAC 0.00004; ESP Exome Variant Server 0.00008; 1000 Genomes Project 30x 0.00016; 1000 Genomes Project 0.00020.
gnomAD v4.1: 10 of 1,608,050 alleles (0.00062%); highest among the groups gnomAD compares: South Asian, 0.0044%; no homozygotes.

Submissions (2):

Labcorp Genetics (formerly Invitae), Labcorp
Classification: Uncertain significance. Last evaluated: 2021-06-21. Review status: criteria provided, single submitter. Criteria: Invitae Variant Classification Sherloc (09022015). Collection method: clinical testing. Allele origin: germline.
Comment: This variant is present in population databases (rs139374562, ExAC 0.02%). In summary, the available evidence is currently insufficient to determine the role of this variant in disease. Therefore, it has been classified as a Variant of Uncertain Significance. Algorithms developed to predict the effect of missense changes on protein structure and function are either unavailable or do not agree on the potential impact of this missense change (SIFT: "Deleterious"; PolyPhen-2: "Probably Damaging"; Align-GVGD: "Class C0"). This variant has not been reported in the literature in individuals with HSPG2-related conditions. This sequence change replaces glycine with glutamic acid at codon 999 of the HSPG2 protein (p.Gly999Glu). The glycine residue is highly conserved and there is a moderate physicochemical difference between glycine and glutamic acid.

Revvity Omics, Revvity
Classification: Uncertain significance. Last evaluated: 2019-12-16. Review status: criteria provided, single submitter. Criteria: ACMG Guidelines, 2015. Collection method: clinical testing. Allele origin: germline.